The following is an entry in ClinVar:

ClinVar aggregate classification (germline): Pathogenic/Likely pathogenic. Review status: criteria provided, multiple submitters, no conflicts (2 of 4 stars). 8 submissions from 7 submitters: Pathogenic (4); Likely pathogenic (3). 1 of the submissions does not count toward it. Last evaluated 2025-12-03.

Conditions:
Usher syndrome type 2A. Also called: RETINAL DISEASE IN USHER SYNDROME TYPE IIA, MODIFIER OF; USHER SYNDROME, TYPE IIA. Identifiers: Orphanet 231178, Orphanet 886, MedGen C1848634, MONDO:0010169, OMIM 276901.
Retinitis pigmentosa 39 (RP39). Identifiers: Orphanet 791, MedGen C3151138, MONDO:0013436, OMIM 613809.
USH2A-related disorder. Also called: USH2A-related disorders; USH2A-related condition. Identifiers: MedGen CN239332.

Allele frequency attached by ClinVar (database versions not stated): TOPMed below 0.00001; gnomAD 0.00001.

Submissions (8):

Natera, Inc.
Classification: Pathogenic for Usher syndrome type 2A. Last evaluated: 2025-12-03. Review status: criteria provided, single submitter. Criteria: Natera Variant Classification Schema (03/2026). Collection method: clinical testing. Allele origin: germline.
Comment: The c.15200delT variant in USH2A is a frameshift variant predicted to shift the reading frame beginning at codon 5067 and leads to a stop codon 23 codons downstream. This variant is expected to result in nonsense mediated decay, truncation, or a dysfunctional protein product. This variant is rare in the general population with a frequency below the threshold expected for the associated phenotype(s). This variant has been observed in one or more individuals affected with the associated recessive disease, as either homozygous or compound heterozygous with a second variant (PMID: 27344577). Given the available evidence, this variant is classified as Pathogenic.

Labcorp Genetics (formerly Invitae), Labcorp
Classification: Pathogenic. Last evaluated: 2025-07-03. Review status: criteria provided, single submitter. Criteria: Invitae Variant Classification Sherloc (09022015). Collection method: clinical testing. Allele origin: germline.
Comment: This sequence change creates a premature translational stop signal (p.Ile5067Thrfs*23) in the USH2A gene. It is expected to result in an absent or disrupted protein product. Loss-of-function variants in USH2A are known to be pathogenic (PMID: 10729113, 10909849, 20507924, 25649381). This variant is not present in population databases (gnomAD no frequency). This premature translational stop signal has been observed in individual(s) with non-syndromic deafness (PMID: 27344577). ClinVar contains an entry for this variant (Variation ID: 556916). For these reasons, this variant has been classified as Pathogenic.

Revvity Omics, Revvity
Classification: Pathogenic. Last evaluated: 2025-03-06. Review status: criteria provided, single submitter. Criteria: ACMG Guidelines, 2015. Collection method: clinical testing. Allele origin: germline.

Genome-Nilou Lab
Classification: Likely pathogenic for Retinitis pigmentosa 39. Last evaluated: 2023-11-04. Review status: criteria provided, single submitter. Criteria: ACMG Guidelines, 2015. Collection method: clinical testing. Allele origin: germline. Affected: no.

Genome-Nilou Lab
Classification: Likely pathogenic for Usher syndrome type 2A. Last evaluated: 2023-11-04. Review status: criteria provided, single submitter. Criteria: ACMG Guidelines, 2015. Collection method: clinical testing. Allele origin: germline. Affected: no.

Blueprint Genetics
Classification: Likely pathogenic for USH2A-related disorders. Last evaluated: 2022-06-24. Review status: criteria provided, single submitter. Criteria: ACMG Guidelines, 2015. Collection method: clinical testing. Allele origin: germline. Affected: yes. Observed: 3 variant alleles.

GeneDx
Classification: Pathogenic. Last evaluated: 2020-12-30. Review status: criteria provided, single submitter. Criteria: GeneDx Variant Classification Process June 2021. Collection method: clinical testing. Allele origin: germline. Affected: yes.
Comment: Frameshift variant predicted to result in protein truncation or nonsense mediated decay in a gene for which loss-of-function is a known mechanism of disease; Not observed in large population cohorts (Lek et al., 2016); This variant is associated with the following publications: (PMID: 27344577)

Counsyl
Classification: Likely pathogenic for Usher syndrome type 2A; Retinitis pigmentosa 39. Last evaluated: 2018-02-27. Review status: no assertion criteria provided. Collection method: clinical testing. Allele origin: unknown. Not counted in ClinVar's aggregate classification.

Literature cited by the submitters: PubMed 27344577 (cited by 3 submitters); PubMed 10729113 (cited by Labcorp Genetics (formerly Invitae), Labcorp); PubMed 10909849 (cited by Labcorp Genetics (formerly Invitae), Labcorp); PubMed 20507924 (cited by Labcorp Genetics (formerly Invitae), Labcorp); PubMed 25649381 (cited by Labcorp Genetics (formerly Invitae), Labcorp).

NM_206933.4(USH2A):c.15200del (p.Ile5067fs)

Gene: USH2A (usherin; minus strand). Cytogenetic location: 1q41.
Variant type: Deletion.
Coding change: c.15200del on transcript NM_206933.4 (MANE Select); coding-DNA position 15200, one base deleted (T; older notation c.15200delT).
Protein change: p.Ile5067fs; shifts the reading frame from isoleucine 5067.
Molecular consequence: frameshift variant.
Genome position (GRCh38, 1-based): chr1:215,634,556, A deleted on the plus strand (T on the coding strand, the reverse complement: USH2A is on the minus strand). VCF-style (leftmost placement, unchanged base first): chr1-215634555-GA-G. GRCh37 (hg19) VCF-style: chr1-215807897-GA-G.
Other names: c.15200del (NM_206933.2, NM_206933.3); short protein forms I5067fs.
Identifiers: ClinVar variation 556916 (VCV000556916.19), dbSNP rs1295968274, ClinGen allele CA16609665.